The following is an entry in ClinVar:

NM_014915.3(ANKRD26):c.4990C>T (p.Leu1664Phe)

Gene: ANKRD26 (ankyrin repeat domain containing 26; minus strand). Cytogenetic location: 10p12.1.
Variant type: single nucleotide variant.
Coding change: c.4990C>T on transcript NM_014915.3 (MANE Select); coding-DNA position 4990, C replaced by T.
Protein change: p.Leu1664Phe; replaces leucine 1664 with phenylalanine.
Molecular consequence: missense variant.
Genome position (GRCh38, 1-based): chr10:27,006,926, G>A on the plus strand (C>T on the coding strand, the complement: ANKRD26 is on the minus strand). VCF-style: chr10-27006926-G-A. GRCh37 (hg19) VCF-style: chr10-27295855-G-A.
Other names: c.4987C>T, p.Leu1663Phe (NM_001256053.2); short protein forms L1663F, L1664F.
Identifiers: ClinVar variation 3363504 (VCV003363504.2).
Genomic context (GRCh38, chr10:27,006,926, plus strand): 5'-CAGAAATCAATTAATTAATCTAAATTTAATTCATGAAGTTTGGCAACATACCTTCTTTGA[G>A]TTCTCTAGTTATATTTTTTTCCAACTCCTGCTGCATCTGAAAAAAGTCAAATGTTATTTA-3'
Protein context (NP_055730.2, residues 1654-1674): QELEKNITRE[Leu1664Phe]KEAAAELESG

ClinVar aggregate classification (germline): Uncertain significance. Review status: criteria provided, multiple submitters, no conflicts (2 of 4 stars). 2 submissions from 2 submitters: Uncertain significance (2). Last evaluated 2025-01-29.

Conditions:
Inborn genetic diseases. Identifiers: MedGen C0950123, MeSH D030342.

gnomAD v4.1: 36 of 1,608,906 alleles (0.0022%); highest among the groups gnomAD compares: Non-Finnish European, 0.001%; no homozygotes.

Submissions (2):

Ambry Genetics
Classification: Uncertain significance for Inborn genetic diseases. Last evaluated: 2025-01-29. Review status: criteria provided, single submitter. Criteria: Ambry Variant Classification Scheme 2023. Collection method: clinical testing. Allele origin: germline.
Comment: The p.L1664F variant (also known as c.4990C>T), located in coding exon 33 of the ANKRD26 gene, results from a C to T substitution at nucleotide position 4990. The leucine at codon 1664 is replaced by phenylalanine, an amino acid with highly similar properties. This amino acid position is conserved. In addition, this alteration is predicted to be tolerated by in silico analysis. Based on the available evidence, the clinical significance of this variant remains unclear.

GeneDx
Classification: Uncertain significance. Last evaluated: 2023-10-29. Review status: criteria provided, single submitter. Criteria: GeneDx Variant Classification Process June 2021. Collection method: clinical testing. Allele origin: germline. Affected: yes.
Comment: In silico analysis supports that this missense variant has a deleterious effect on protein structure/function; Has not been previously published as pathogenic or benign to our knowledge